The following is an entry in ClinVar:

NM_000531.6(OTC):c.287C>T (p.Ser96Phe)

Gene: OTC (ornithine transcarbamylase; plus strand). Cytogenetic location: Xp11.4.
Variant type: single nucleotide variant.
Coding change: c.287C>T on transcript NM_000531.6 (MANE Select); coding-DNA position 287, C replaced by T.
Protein change: p.Ser96Phe; replaces serine 96 with phenylalanine.
Molecular consequence: missense variant.
Genome position (GRCh38, 1-based): chrX:38,369,866, C>T. VCF-style: chrX-38369866-C-T. GRCh37 (hg19) VCF-style: chrX-38229119-C-T.
Other names: c.287C>T, p.Ser96Phe (NM_001407092.1); short protein forms S96F.
Identifiers: ClinVar variation 4854042 (VCV004854042.1).

ClinVar aggregate classification (germline): Uncertain significance (1 of 4 stars; one submission).

Conditions:
Ornithine carbamoyltransferase deficiency (OTCD). Also called: ORNITHINE TRANSCARBAMYLASE DEFICIENCY; Ornithine Carbamoyltransferase Deficiency Disease; OTC DEFICIENCY; ORNITHINE TRANSCARBAMYLASE DEFICIENCY, HYPERAMMONEMIA DUE TO. Identifiers: Orphanet 664, MedGen C0268542, MONDO:0010703, OMIM 311250.

Submission:

3billion
Classification: Uncertain significance for Ornithine carbamoyltransferase deficiency. Last evaluated: 2026-01-08. Review status: criteria provided, single submitter. Criteria: ACMG Guidelines, 2015. Collection method: clinical testing. Allele origin: germline. Affected: yes.
Comment: The variant is not observed in the gnomAD v4.1.0 dataset. Predicted Consequence/Location: Missense variant In silico tool predictions suggest damaging effect of the variant on gene or gene product [REVEL: 0.98 (>=0.6, sensitivity 0.68 and specificity 0.92); 3Cnet: 0.99 (> 0.75, sensitivity 0.96 and precision 0.92)]. The same nucleotide change resulting in the same amino acid change has been previously reported to be associated with OTC-related disorder (PMID: 17334707).A different missense change at the same codon (p.Ser96Pro) has been reported to be associated with OTC-related disorder (PMID: 30175132). However the evidence of pathogenicity is insufficient at this time. Therefore, this variant is classified as VUS according to the recommendation of ACMG/AMP guideline.

Literature cited by the submitters: PubMed 17334707; PubMed 30175132.